The following is an entry in ClinVar:

ClinVar aggregate classification (germline): Likely benign. Review status: criteria provided, multiple submitters, no conflicts (2 of 4 stars). 2 submissions from 2 submitters: Likely benign (2). Last evaluated 2018-01-12.

Conditions:
Dicarboxylic aminoaciduria (DCBXA). Also called: GLUTAMATE-ASPARTATE TRANSPORT DEFECT. Identifiers: Orphanet 2195, MedGen C1857253, MONDO:0009110, OMIM 222730.

Allele frequency attached by ClinVar (database versions not stated): 1000 Genomes Project 30x 0.00281; 1000 Genomes Project 0.00300; TOPMed 0.00487.
gnomAD v4.1: 692 of 418,688 alleles (0.17%); highest among the groups gnomAD compares: African/African-American, 1.3%; 1 homozygote.

Submissions (2):

Illumina Laboratory Services, Illumina
Classification: Likely benign for Dicarboxylic aminoaciduria. Last evaluated: 2018-01-12. Review status: criteria provided, single submitter. Criteria: ICSL Variant Classification Criteria 13 December 2019. Collection method: clinical testing. Allele origin: germline.
Comment: This variant was observed in the ICSL laboratory as part of a predisposition screen in an ostensibly healthy population. It had not been previously curated by ICSL or reported in the Human Gene Mutation Database (HGMD: prior to June 1st, 2018), and was therefore a candidate for classification through an automated scoring system. Utilizing variant allele frequency, disease prevalence and penetrance estimates, and inheritance mode, an automated score was calculated to assess if this variant is too frequent to cause the disease. Based on the score and internal cut-off values, a variant classified as likely benign is not then subjected to further curation. The score for this variant resulted in a classification of likely benign for this disease.

Breakthrough Genomics
Classification: Likely benign. Review status: criteria provided, single submitter. Criteria: ACMG Guidelines, 2015. Collection method: not provided. Allele origin: germline. Inheritance: Autosomal recessive inheritance. Affected: yes.

NM_004170.6(SLC1A1):c.-167C>G

Genes: SLC1A1 (solute carrier family 1 member 1; plus strand), LOC130001482 (ATAC-STARR-seq lymphoblastoid silent region 19742; plus strand). Cytogenetic location: 9p24.2.
Variant type: single nucleotide variant.
Coding change: c.-167C>G on transcript NM_004170.6 (MANE Select); 167 bases upstream of the start codon, C replaced by G.
Molecular consequence: 5 prime UTR variant.
Genome position (GRCh38, 1-based): chr9:4,490,513, C>G. VCF-style: chr9-4490513-C-G. GRCh37 (hg19) VCF-style: chr9-4490513-C-G.
Identifiers: ClinVar variation 367030 (VCV000367030.6), dbSNP rs12000219, ClinGen allele CA10627417.